The following is an entry in ClinVar:

ClinVar aggregate classification (germline): Uncertain significance. Review status: criteria provided, multiple submitters, no conflicts (2 of 4 stars). 2 submissions from 2 submitters: Uncertain significance (2). Last evaluated 2023-11-02.

Conditions:
Inborn genetic diseases. Identifiers: MedGen C0950123, MeSH D030342.
Pseudohypoaldosteronism type 2C (PHA2C). Also called: Pseudohypoaldosteronism Type IIC. Identifiers: Orphanet 757, Orphanet 88940, MedGen C1840391, MONDO:0013778, OMIM 614492.
Neuropathy, hereditary sensory and autonomic, type 2A (HSAN2A). Also called: ACROOSTEOLYSIS, GIACCAI TYPE; ACROOSTEOLYSIS, NEUROGENIC; MORVAN DISEASE; NEUROPATHY, CONGENITAL SENSORY; NEUROPATHY, HEREDITARY SENSORY RADICULAR, AUTOSOMAL RECESSIVE; NEUROPATHY, HEREDITARY SENSORY, TYPE IIA. Identifiers: Orphanet 970, MedGen C2752089, MONDO:0024309, OMIM 201300.

Allele frequency attached by ClinVar (database versions not stated): gnomAD exomes below 0.00001 and 0.00001; TOPMed 0.00001.

Submissions (2):

Labcorp Genetics (formerly Invitae), Labcorp
Classification: Uncertain significance for Neuropathy, hereditary sensory and autonomic, type 2A; Pseudohypoaldosteronism type 2C. Last evaluated: 2023-11-02. Review status: criteria provided, single submitter. Criteria: Invitae Variant Classification Sherloc (09022015). Collection method: clinical testing. Allele origin: germline.
Comment: This sequence change results in a frameshift in the WNK1 gene (p.Leu2619Ilefs*24). While this is not anticipated to result in nonsense mediated decay, it is expected to disrupt the last 16 amino acid(s) of the WNK1 protein and extend the protein by 7 additional amino acid residues. This variant is present in population databases (no rsID available, gnomAD 0.0009%). This variant has not been reported in the literature in individuals affected with WNK1-related conditions. ClinVar contains an entry for this variant (Variation ID: 1025378). Experimental studies and prediction algorithms are not available or were not evaluated, and the functional significance of this variant is currently unknown. In summary, the available evidence is currently insufficient to determine the role of this variant in disease. Therefore, it has been classified as a Variant of Uncertain Significance.

Ambry Genetics
Classification: Uncertain significance for Inborn genetic diseases. Last evaluated: 2019-11-20. Review status: criteria provided, single submitter. Criteria: Ambry Variant Classification Scheme 2023. Collection method: clinical testing. Allele origin: germline.
Comment: The c.7853_7854dupAT variant, located in coding exon 28 of the WNK1 gene, results from a duplication of AT at nucleotide position 7853, causing a translational frameshift with a predicted alternate stop codon (p.L2619Ifs*24). Frameshifts are typically deleterious in nature; however, this frameshift occurs at the 3' terminus of WNK1, is not expected to trigger nonsense-mediated mRNA decay, and impacts only the last 16 amino acids of the protein. The exact functional impact of these altered amino acids is unknown at this time. Since supporting evidence is limited at this time, the clinical significance of this alteration remains unclear.

NM_018979.4(WNK1):c.7097_7098dup (p.Leu2367fs)

Gene: WNK1 (WNK lysine deficient protein kinase 1; plus strand). Cytogenetic location: 12p13.33.
Variant type: Duplication.
Coding change: c.7097_7098dup on transcript NM_018979.4 (MANE Select); coding-DNA positions 7097 to 7098, 2 bases duplicated (AT; older notation c.7097_7098dupAT).
Protein change: p.Leu2367fs; shifts the reading frame from leucine 2367.
Molecular consequence: frameshift variant.
Genome position (GRCh38, 1-based): chr12:908,740-908,741, AT duplicated. VCF-style (leftmost placement, unchanged base first): chr12-908739-A-AAT. GRCh37 (hg19) VCF-style: chr12-1017905-A-AAT.
Other names: c.7877_7878dup, p.Leu2627fs (NM_001184985.2); c.6353_6354dup, p.Leu2119fs (NM_014823.3); c.7853_7854dup, p.Leu2619fs (NM_213655.5); short protein forms L2119fs, L2367fs, L2619fs, L2627fs.
Identifiers: ClinVar variation 1025378 (VCV001025378.8), dbSNP rs1565626163, ClinGen allele CA603036892.
Genomic context (GRCh38, chr12:908,739, plus strand): 5'-CAGCCACTTGGCCAGTTCCAACCTGTGGGAACTGCCTCCTTGCAGAATTTCAACATCAGC[A>AAT]ATTTGCAGAAATCCATCAGCAACCCCCCAGGCTCCAACCTGCGGACCACTTAGACCTAGA-3'